The following is an entry in ClinVar:

NM_001374828.1(ARID1B):c.4232-9A>G

Gene: ARID1B (AT-rich interaction domain 1B; plus strand). Cytogenetic location: 6q25.3.
Variant type: single nucleotide variant.
Coding change: c.4232-9A>G on transcript NM_001374828.1 (MANE Select); 9 bases into the intron before coding-DNA position 4232, A replaced by G.
Molecular consequence: intron variant.
Genome position (GRCh38, 1-based): chr6:157,196,156, A>G. VCF-style: chr6-157196156-A-G. GRCh37 (hg19) VCF-style: chr6-157517290-A-G.
Other names: c.4112-9A>G (NM_001371656.1, NM_001374820.1); c.4073-9A>G (NM_017519.3); c.1733-9A>G (NM_001363725.2).
Identifiers: ClinVar variation 1809846 (VCV001809846.1), dbSNP rs2128355867, ClinGen allele CA2580075304.

ClinVar aggregate classification (germline): Uncertain significance (1 of 4 stars; one submission).

Submission:

GeneDx
Classification: Uncertain significance. Last evaluated: 2022-07-08. Review status: criteria provided, single submitter. Criteria: GeneDx Variant Classification Process June 2021. Collection method: clinical testing. Allele origin: germline. Affected: yes.
Comment: Not observed at significant frequency in large population cohorts (gnomAD); Has not been previously published as pathogenic or benign to our knowledge; In-silico analysis is inconclusive as to whether the variant alters gene splicing. In the absence of RNA/functional studies, the actual effect of this sequence change is unknown..